The following is an entry in ClinVar:

ClinVar aggregate classification (germline): Uncertain significance (1 of 4 stars; one submission).

Submission:

Labcorp Genetics (formerly Invitae), Labcorp
Classification: Uncertain significance. Last evaluated: 2022-06-14. Review status: criteria provided, single submitter. Criteria: Invitae Variant Classification Sherloc (09022015). Collection method: clinical testing. Allele origin: germline.
Comment: This sequence change replaces glutamic acid, which is acidic and polar, with lysine, which is basic and polar, at codon 1210 of the LRP5 protein (p.Glu1210Lys). This variant is not present in population databases (gnomAD no frequency). This variant has not been reported in the literature in individuals affected with LRP5-related conditions. Advanced modeling of protein sequence and biophysical properties (such as structural, functional, and spatial information, amino acid conservation, physicochemical variation, residue mobility, and thermodynamic stability) performed at Invitae indicates that this missense variant is not expected to disrupt LRP5 protein function. In summary, the available evidence is currently insufficient to determine the role of this variant in disease. Therefore, it has been classified as a Variant of Uncertain Significance.

NM_002335.4(LRP5):c.3628G>A (p.Glu1210Lys)

Gene: LRP5 (LDL receptor related protein 5; plus strand). Cytogenetic location: 11q13.2.
Variant type: single nucleotide variant.
Coding change: c.3628G>A on transcript NM_002335.4 (MANE Select); coding-DNA position 3628, G replaced by A.
Protein change: p.Glu1210Lys; replaces glutamic acid 1210 with lysine.
Molecular consequence: missense variant.
Genome position (GRCh38, 1-based): chr11:68,426,178, G>A. VCF-style: chr11-68426178-G-A. GRCh37 (hg19) VCF-style: chr11-68193646-G-A.
Other names: c.1885G>A, p.Glu629Lys (NM_001291902.2); short protein forms E1210K, E629K.
Identifiers: ClinVar variation 1934894 (VCV001934894.5), dbSNP rs924203794, ClinGen allele CA224278596.